The following is an entry in ClinVar:

NM_000517.6(HBA2):c.200_201del (p.Leu67fs)

Genes: HBA2 (hemoglobin subunit alpha 2; plus strand), LOC106804612 (hemoglobin subunit alpha 2 recombination region; plus strand). Cytogenetic location: 16p13.3.
Variant type: Deletion.
Coding change: c.200_201del on transcript NM_000517.6 (MANE Select); coding-DNA positions 200 to 201, 2 bases deleted (TG; older notation c.200_201delTG).
Protein change: p.Leu67fs; shifts the reading frame from leucine 67.
Molecular consequence: frameshift variant.
Genome position (GRCh38, 1-based): chr16:173,229-173,230, TG deleted. VCF-style (leftmost placement, unchanged base first): chr16-173228-CTG-C. GRCh37 (hg19) VCF-style: chr16-223227-CTG-C.
Other names: short protein forms L67fs.
Identifiers: ClinVar variation 4818642 (VCV004818642.1).
Genomic context (GRCh38, chr16:173,228, plus strand): 5'-TTCGACCTGAGCCACGGCTCTGCCCAGGTTAAGGGCCACGGCAAGAAGGTGGCCGACGCG[CTG>C]ACCAACGCCGTGGCGCACGTGGACGACATGCCCAACGCGCTGTCCGCCCTGAGCGACCTG-3'

ClinVar aggregate classification (germline): Likely pathogenic (1 of 4 stars; one submission).

Conditions:
alpha Thalassemia. Also called: Alpha thalassemia spectrum. Identifiers: Orphanet 846, MedGen C0002312, MONDO:0011399, OMIM 604131.

Submission:

Natera, Inc.
Classification: Likely pathogenic for Alpha thalassemia. Last evaluated: 2026-01-14. Review status: criteria provided, single submitter. Criteria: Natera Variant Classification Schema (03/2026). Collection method: clinical testing. Allele origin: germline.
Comment: The c.200_201del variant in HBA2 is a frameshift variant predicted to elongate the protein beyond the termination codon. This variant is expected to result in nonsense mediated decay, truncation, or a dysfunctional protein product. This variant is rare in the general population with a frequency below the threshold expected for the associated phenotype(s). Given the available evidence, this variant is classified as Likely Pathogenic.